The following is an entry in ClinVar:

NM_004444.5(EPHB4):c.2119-1G>C

Gene: EPHB4 (EPH receptor B4; minus strand). Cytogenetic location: 7q22.1.
Variant type: single nucleotide variant.
Coding change: c.2119-1G>C on transcript NM_004444.5 (MANE Select); the canonical splice acceptor site of the intron before coding-DNA position 2119, G replaced by C.
Molecular consequence: splice acceptor variant.
Genome position (GRCh38, 1-based): chr7:100,807,581, C>G on the plus strand (G>C on the coding strand, the complement: EPHB4 is on the minus strand). VCF-style: chr7-100807581-C-G. GRCh37 (hg19) VCF-style: chr7-100405203-C-G.
Identifiers: ClinVar variation 1786201 (VCV001786201.2), dbSNP rs1451267197, ClinGen allele CA368569335.
Genomic context (GRCh38, chr7:100,807,581, plus strand): 5'-CGAGGCGATGCCCCGCAGCATGCCCACGAGCTGGATGACTGTGAACTGTCCGTCGTTTAG[C>G]TGGAGAGCAGATAGGGTGGGGGCTTGGTGAGGACAGCCCACCCACCGTTCCCCCTCCCAT-3'

ClinVar aggregate classification (germline): Uncertain significance (1 of 4 stars; one submission).

Conditions:
Cardiovascular phenotype. Identifiers: MedGen CN230736.

Allele frequency attached by ClinVar (database versions not stated): gnomAD exomes below 0.00001.
gnomAD v4.1: 1 of 1,612,210 alleles (0.000062%); no homozygotes.

Submission:

Ambry Genetics
Classification: Uncertain significance for Cardiovascular phenotype. Last evaluated: 2021-03-26. Review status: criteria provided, single submitter. Criteria: Ambry Variant Classification Scheme 2023. Collection method: clinical testing. Allele origin: germline.
Comment: The c.2119-1G>C intronic variant results from a G to C substitution one nucleotide upstream from coding exon 13 of the EPHB4 gene. Alterations that disrupt the canonical splice site are expected to result in aberrant splicing. In silico analysis predicts that this alteration will abolish the native splice acceptor site and this alteration will result in the creation or strengthening of a novel splice acceptor site. This novel acceptor site, if utilized, would result in an in-frame transcript with unknown functional impact; however, direct evidence is unavailable. This nucleotide position is highly conserved in available vertebrate species. Since supporting evidence is limited at this time, the clinical significance of this alteration remains unclear.